The following is an entry in ClinVar:

ClinVar aggregate classification (germline): Uncertain significance. Review status: criteria provided, multiple submitters, no conflicts (2 of 4 stars). 2 submissions from 2 submitters: Uncertain significance (2). Last evaluated 2022-05-16.

Conditions:
Autosomal recessive ataxia, Beauce type. Also called: ATAXIA, RECESSIVE, OF BEAUCE; Spinocerebellar ataxia, autosomal recessive 8; SYNE1-Related Autosomal Recessive Cerebellar Ataxia; SYNE1 Deficiency. Identifiers: Orphanet 88644, MedGen C1853116, MONDO:0012549, OMIM 610743.
Emery-Dreifuss muscular dystrophy 4, autosomal dominant (EDMD4). Also called: EMERY-DREIFUSS MUSCULAR DYSTROPHY 4 WITH VARIABLE FEATURES. Identifiers: Orphanet 261, MedGen C2751807, MONDO:0013071, OMIM 612998.

Allele frequency attached by ClinVar (database versions not stated): TOPMed below 0.00001; gnomAD exomes 0.00001; gnomAD 0.00002.
gnomAD v4.1: 11 of 1,613,556 alleles (0.00068%); highest among the groups gnomAD compares: East Asian, 0.0022%; no homozygotes.

Submissions (2):

GeneDx
Classification: Uncertain significance. Last evaluated: 2022-05-16. Review status: criteria provided, single submitter. Criteria: GeneDx Variant Classification Process June 2021. Collection method: clinical testing. Allele origin: germline. Affected: yes.
Comment: Not observed at significant frequency in large population cohorts (gnomAD); In silico analysis supports that this missense variant has a deleterious effect on protein structure/function; Has not been previously published as pathogenic or benign to our knowledge

Labcorp Genetics (formerly Invitae), Labcorp
Classification: Uncertain significance for Emery-Dreifuss muscular dystrophy 4, autosomal dominant; Autosomal recessive ataxia, Beauce type. Last evaluated: 2020-07-28. Review status: criteria provided, single submitter. Criteria: Invitae Variant Classification Sherloc (09022015). Collection method: clinical testing. Allele origin: germline.
Comment: In summary, the available evidence is currently insufficient to determine the role of this variant in disease. Therefore, it has been classified as a Variant of Uncertain Significance. Algorithms developed to predict the effect of missense changes on protein structure and function are either unavailable or do not agree on the potential impact of this missense change (SIFT: "Deleterious"; PolyPhen-2: "Probably Damaging"; Align-GVGD: "Class C0"). This variant has not been reported in the literature in individuals with SYNE1-related conditions. This variant is not present in population databases (ExAC no frequency). This sequence change replaces arginine with cysteine at codon 624 of the SYNE1 protein (p.Arg624Cys). The arginine residue is highly conserved and there is a large physicochemical difference between arginine and cysteine.

NM_182961.4(SYNE1):c.1849C>T (p.Arg617Cys)

Gene: SYNE1 (spectrin repeat containing nuclear envelope protein 1; minus strand). Cytogenetic location: 6q25.2.
Variant type: single nucleotide variant.
Coding change: c.1849C>T on transcript NM_182961.4 (MANE Select); coding-DNA position 1849, C replaced by T.
Protein change: p.Arg617Cys; replaces arginine 617 with cysteine.
Molecular consequence: missense variant.
Genome position (GRCh38, 1-based): chr6:152,465,341, G>A on the plus strand (C>T on the coding strand, the complement: SYNE1 is on the minus strand). VCF-style: chr6-152465341-G-A. GRCh37 (hg19) VCF-style: chr6-152786476-G-A.
Other names: c.1870C>T, p.Arg624Cys (NM_033071.5); short protein forms R617C, R624C.
Identifiers: ClinVar variation 1000730 (VCV001000730.9), dbSNP rs980349048, ClinGen allele CA150204935.